The following is an entry in ClinVar:

NM_005026.5(PIK3CD):c.1340-1G>A

Genes: PIK3CD (phosphatidylinositol-4,5-bisphosphate 3-kinase catalytic subunit delta; plus strand), LOC126805612 (MED14-independent group 3 enhancer GRCh37_chr1:9778914-9780113; plus strand). Cytogenetic location: 1p36.22.
Variant type: single nucleotide variant.
Coding change: c.1340-1G>A on transcript NM_005026.5 (MANE Select); the canonical splice acceptor site of the intron before coding-DNA position 1340, G replaced by A.
Molecular consequence: splice acceptor variant.
Genome position (GRCh38, 1-based): chr1:9,720,111, G>A. VCF-style: chr1-9720111-G-A. GRCh37 (hg19) VCF-style: chr1-9780169-G-A.
Other names: c.1340-1G>A (NM_001350234.2); c.1253-1G>A (NM_001350235.1).
Identifiers: ClinVar variation 1318706 (VCV001318706.2), dbSNP rs2100937822, ClinGen allele CA338302661.

ClinVar aggregate classification (germline): Uncertain significance (1 of 4 stars; one submission).

Submission:

GeneDx
Classification: Uncertain significance. Last evaluated: 2019-04-16. Review status: criteria provided, single submitter. Criteria: GeneDx Variant Classification Process June 2021. Collection method: clinical testing. Allele origin: germline. Affected: yes.
Comment: Not observed in large population cohorts (Lek et al., 2016); Canonical splice site variant in a gene for which loss-of-function is not a known mechanism of disease.; Has not been previously published as pathogenic or benign to our knowledge